The following is an entry in ClinVar:

NM_005591.4(MRE11):c.671G>A (p.Gly224Glu)

Gene: MRE11 (MRE11 double strand break repair nuclease; minus strand). Cytogenetic location: 11q21.
Variant type: single nucleotide variant.
Coding change: c.671G>A on transcript NM_005591.4 (MANE Select); coding-DNA position 671, G replaced by A.
Protein change: p.Gly224Glu; replaces glycine 224 with glutamic acid.
Molecular consequence: missense variant.
Genome position (GRCh38, 1-based): chr11:94,471,748, C>T on the plus strand (G>A on the coding strand, the complement: MRE11 is on the minus strand). VCF-style: chr11-94471748-C-T. GRCh37 (hg19) VCF-style: chr11-94204914-C-T.
Other names: c.671G>A, p.Gly224Glu (NM_001330347.2, NM_005590.4); short protein forms G224E.
Identifiers: ClinVar variation 826576 (VCV000826576.13), dbSNP rs749446968, ClinGen allele CA6235317.

ClinVar aggregate classification (germline): Uncertain significance. Review status: criteria provided, multiple submitters, no conflicts (2 of 4 stars). 3 submissions from 3 submitters: Uncertain significance (3). Last evaluated 2024-04-06.

Conditions:
Hereditary cancer-predisposing syndrome. Also called: Neoplastic Syndromes, Hereditary; Tumor predisposition; Hereditary neoplastic syndrome; Hereditary Cancer Syndrome. Identifiers: Orphanet 140162, MedGen C0027672, MeSH D009386, MONDO:0015356.
Ataxia-telangiectasia-like disorder (ATLD). Identifiers: MedGen C1858391, MONDO:0011457.
Ataxia-telangiectasia-like disorder 1 (ATLD1). Identifiers: Orphanet 251347, MedGen C4012790, MONDO:0024557, OMIM 604391.

Allele frequency attached by ClinVar (database versions not stated): gnomAD 0.00001; gnomAD exomes 0.00001; ExAC 0.00002; TOPMed 0.00002.
gnomAD v4.1: 4 of 1,610,792 alleles (0.00025%); highest among the groups gnomAD compares: Admixed American, 0.0067%; no homozygotes.

Submissions (3):

Ambry Genetics
Classification: Uncertain significance for Hereditary cancer-predisposing syndrome. Last evaluated: 2024-04-06. Review status: criteria provided, single submitter. Criteria: Ambry Variant Classification Scheme 2023. Collection method: clinical testing. Allele origin: germline.
Comment: The p.G224E variant (also known as c.671G>A), located in coding exon 7 of the MRE11A gene, results from a G to A substitution at nucleotide position 671. The glycine at codon 224 is replaced by glutamic acid, an amino acid with similar properties. This amino acid position is highly conserved in available vertebrate species. In addition, this alteration is predicted to be deleterious by in silico analysis. Since supporting evidence is limited at this time, the clinical significance of this alteration remains unclear.

Baylor Genetics
Classification: Uncertain significance for Ataxia-telangiectasia-like disorder 1. Last evaluated: 2023-05-16. Review status: criteria provided, single submitter. Criteria: ACMG Guidelines, 2015. Collection method: clinical testing. Allele origin: unknown.

Labcorp Genetics (formerly Invitae), Labcorp
Classification: Uncertain significance for Ataxia-telangiectasia-like disorder. Last evaluated: 2021-08-24. Review status: criteria provided, single submitter. Criteria: Invitae Variant Classification Sherloc (09022015). Collection method: clinical testing. Allele origin: germline.
Comment: This sequence change replaces glycine with glutamic acid at codon 224 of the MRE11 protein (p.Gly224Glu). The glycine residue is highly conserved and there is a moderate physicochemical difference between glycine and glutamic acid. This variant is present in population databases (rs749446968, ExAC 0.02%). This variant has not been reported in the literature in individuals affected with MRE11-related conditions. Algorithms developed to predict the effect of missense changes on protein structure and function are either unavailable or do not agree on the potential impact of this missense change (SIFT: "Deleterious"; PolyPhen-2: "Possibly Damaging"; Align-GVGD: "Class C0"). In summary, the available evidence is currently insufficient to determine the role of this variant in disease. Therefore, it has been classified as a Variant of Uncertain Significance.